The following is an entry in ClinVar:

ClinVar aggregate classification (germline): Uncertain significance (1 of 4 stars; one submission).

Submission:

Labcorp Genetics (formerly Invitae), Labcorp
Classification: Uncertain significance. Last evaluated: 2022-07-27. Review status: criteria provided, single submitter. Criteria: Invitae Variant Classification Sherloc (09022015). Collection method: clinical testing. Allele origin: germline.
Comment: This variant is not present in population databases (gnomAD no frequency). In summary, the available evidence is currently insufficient to determine the role of this variant in disease. Therefore, it has been classified as a Variant of Uncertain Significance. Advanced modeling of protein sequence and biophysical properties (such as structural, functional, and spatial information, amino acid conservation, physicochemical variation, residue mobility, and thermodynamic stability) performed at Invitae indicates that this missense variant is not expected to disrupt CYP4V2 protein function. This variant has not been reported in the literature in individuals affected with CYP4V2-related conditions. This sequence change replaces asparagine, which is neutral and polar, with lysine, which is basic and polar, at codon 141 of the CYP4V2 protein (p.Asn141Lys).

NM_207352.4(CYP4V2):c.423C>G (p.Asn141Lys)

Gene: CYP4V2 (cytochrome P450 family 4 subfamily V member 2; plus strand). Cytogenetic location: 4q35.1.
Variant type: single nucleotide variant.
Coding change: c.423C>G on transcript NM_207352.4 (MANE Select); coding-DNA position 423, C replaced by G.
Protein change: p.Asn141Lys; replaces asparagine 141 with lysine.
Molecular consequence: missense variant.
Genome position (GRCh38, 1-based): chr4:186,196,949, C>G. VCF-style: chr4-186196949-C-G. GRCh37 (hg19) VCF-style: chr4-187118103-C-G.
Other names: short protein forms N141K.
Identifiers: ClinVar variation 2071360 (VCV002071360.4), dbSNP rs370950185, ClinGen allele CA358947258.